The following is an entry in ClinVar:

NM_001369268.1(ACAN):c.2161G>A (p.Val721Ile)

Gene: ACAN (aggrecan; plus strand). Cytogenetic location: 15q26.1.
Variant type: single nucleotide variant.
Coding change: c.2161G>A on transcript NM_001369268.1 (MANE Select); coding-DNA position 2161, G replaced by A.
Protein change: p.Val721Ile; replaces valine 721 with isoleucine.
Molecular consequence: missense variant.
Genome position (GRCh38, 1-based): chr15:88,851,928, G>A. VCF-style: chr15-88851928-G-A. GRCh37 (hg19) VCF-style: chr15-89395159-G-A.
Other names: c.2161G>A, p.Val721Ile (NM_001135.4, NM_013227.4); short protein forms V721I.
Identifiers: ClinVar variation 1347767 (VCV001347767.6), dbSNP rs775758199, ClinGen allele CA7719810.

ClinVar aggregate classification (germline): Uncertain significance (1 of 4 stars; one submission).

Allele frequency attached by ClinVar (database versions not stated): ExAC 0.00001; gnomAD 0.00001; gnomAD exomes 0.00002.
gnomAD v4.1: 33 of 1,612,578 alleles (0.002%); highest among the groups gnomAD compares: Non-Finnish European, 0.0025%; no homozygotes.

Submission:

Labcorp Genetics (formerly Invitae), Labcorp
Classification: Uncertain significance. Last evaluated: 2023-11-07. Review status: criteria provided, single submitter. Criteria: Invitae Variant Classification Sherloc (09022015). Collection method: clinical testing. Allele origin: germline.
Comment: This sequence change replaces valine, which is neutral and non-polar, with isoleucine, which is neutral and non-polar, at codon 721 of the ACAN protein (p.Val721Ile). This variant is present in population databases (rs775758199, gnomAD 0.003%). This variant has not been reported in the literature in individuals affected with ACAN-related conditions. ClinVar contains an entry for this variant (Variation ID: 1347767). Advanced modeling of protein sequence and biophysical properties (such as structural, functional, and spatial information, amino acid conservation, physicochemical variation, residue mobility, and thermodynamic stability) performed at Invitae indicates that this missense variant is not expected to disrupt ACAN protein function with a negative predictive value of 80%. In summary, the available evidence is currently insufficient to determine the role of this variant in disease. Therefore, it has been classified as a Variant of Uncertain Significance.